The following is an entry in ClinVar:

ClinVar aggregate classification (germline): Uncertain significance (1 of 4 stars; one submission).

gnomAD v4.1: 9 of 1,047,650 alleles (0.00086%); highest among the groups gnomAD compares: African/African-American, 0.01%; no homozygotes.

Submission:

Labcorp Genetics (formerly Invitae), Labcorp
Classification: Uncertain significance. Last evaluated: 2024-06-10. Review status: criteria provided, single submitter. Criteria: Invitae Variant Classification Sherloc (09022015). Collection method: clinical testing. Allele origin: germline.
Comment: This sequence change replaces proline, which is neutral and non-polar, with serine, which is neutral and polar, at codon 31 of the FOXI3 protein (p.Pro31Ser). The frequency data for this variant in the population databases is considered unreliable, as metrics indicate insufficient coverage at this position in the gnomAD database. This variant has not been reported in the literature in individuals affected with FOXI3-related conditions. ClinVar contains an entry for this variant (Variation ID: 2135410). Experimental studies and prediction algorithms are not available or were not evaluated, and the functional significance of this variant is currently unknown. In summary, the available evidence is currently insufficient to determine the role of this variant in disease. Therefore, it has been classified as a Variant of Uncertain Significance.

NM_001135649.3(FOXI3):c.91C>T (p.Pro31Ser)

Gene: FOXI3 (forkhead box I3; minus strand). Cytogenetic location: 2p11.2.
Variant type: single nucleotide variant.
Coding change: c.91C>T on transcript NM_001135649.3 (MANE Select); coding-DNA position 91, C replaced by T.
Protein change: p.Pro31Ser; replaces proline 31 with serine.
Molecular consequence: missense variant.
Genome position (GRCh38, 1-based): chr2:88,452,445, G>A on the plus strand (C>T on the coding strand, the complement: FOXI3 is on the minus strand). VCF-style: chr2-88452445-G-A. GRCh37 (hg19) VCF-style: chr2-88751963-G-A.
Other names: short protein forms P31S.
Identifiers: ClinVar variation 2135410 (VCV002135410.4), dbSNP rs917763633, ClinGen allele CA51944253.